The following is an entry in ClinVar:

ClinVar aggregate classification (germline): Pathogenic/Likely pathogenic. Review status: criteria provided, multiple submitters, no conflicts (2 of 4 stars). 2 submissions from 2 submitters: Pathogenic (1); Likely pathogenic (1). Last evaluated 2023-05-10.
ClinVar aggregate classification (oncogenicity): Likely oncogenic (1 of 4 stars; one submission).

Conditions:
Familial adenomatous polyposis 1 (FAP1). Also called: POLYPOSIS, ADENOMATOUS INTESTINAL; FAMILIAL ADENOMATOUS POLYPOSIS 1, ATTENUATED. Identifiers: MedGen C2713442, MONDO:0021056, OMIM 175100. Disease mechanism: loss of function.
Neoplasm. Also called: Neoplasms; Neoplasm (disease); tumor. Identifiers: MedGen C0027651, MeSH D009369, MONDO:0005070, HP:0002664.

Submissions (3):

Center for Genomic Medicine, Rigshospitalet, Copenhagen University Hospital
Classification: Likely oncogenic for Neoplasm. Last evaluated: 2025-03-04. Review status: criteria provided, single submitter. Criteria: ClinGen/CGC/VICC Guidelines for Oncogenicity, 2022. Collection method: clinical testing. Allele origin: somatic. Affected: yes.

Myriad Genetics, Inc.
Classification: Pathogenic for Familial adenomatous polyposis 1. Last evaluated: 2023-05-10. Review status: criteria provided, single submitter. Criteria: Myriad Autosomal Dominant, Autosomal Recessive and X-Linked Classification Criteria (2023). Collection method: clinical testing. Allele origin: unknown.
Comment: This variant is considered pathogenic. This variant creates a termination codon and is predicted to result in premature protein truncation.

Institute of Human Genetics, University of Leipzig Medical Center
Classification: Likely pathogenic for Familial adenomatous polyposis 1. Last evaluated: 2023-04-20. Review status: criteria provided, single submitter. Criteria: ACMG Guidelines, 2015. Collection method: clinical testing. Allele origin: unknown. Inheritance: Autosomal dominant inheritance. Affected: yes.
Comment: Criteria applied: PVS1,PM2_SUP

Literature cited by the submitters: PubMed 34352208 (cited by Center for Genomic Medicine, Rigshospitalet, Copenhagen University Hospital).

NM_000038.6(APC):c.4222G>T (p.Glu1408Ter)

Gene: APC (APC regulator of Wnt signaling pathway; plus strand). Cytogenetic location: 5q22.2.
Variant type: single nucleotide variant.
Coding change: c.4222G>T on transcript NM_000038.6 (MANE Select); coding-DNA position 4222, G replaced by T.
Protein change: p.Glu1408Ter; replaces glutamic acid 1408 with a stop codon.
Molecular consequence: nonsense. On other transcripts: non-coding transcript variant (2).
Genome position (GRCh38, 1-based): chr5:112,839,816, G>T. VCF-style: chr5-112839816-G-T. GRCh37 (hg19) VCF-style: chr5-112175513-G-T.
Other names: c.4222G>T, p.Glu1408Ter (NM_001127510.3, NM_001354895.2, NM_001407450.1); c.4168G>T, p.Glu1390Ter (NM_001127511.3); c.4276G>T, p.Glu1426Ter (NM_001354896.2, NM_001407447.1, NM_001407448.1 and 1 more transcripts); c.4252G>T, p.Glu1418Ter (NM_001354897.2); c.4147G>T, p.Glu1383Ter (NM_001354898.2); c.4138G>T, p.Glu1380Ter (NM_001354899.2); c.4099G>T, p.Glu1367Ter (NM_001354900.2); c.4045G>T, p.Glu1349Ter (NM_001354901.2, NM_001407453.1); and 11 more; short protein forms E1024*, E1125*, E1248*, E1279*, E1282*, E1307*, E1317*, E1325*.
Identifiers: ClinVar variation 2502366 (VCV002502366.6), dbSNP rs1554085632, ClinGen allele CA16030581.
Genomic context (GRCh38, chr5:112,839,816, plus strand): 5'-ACTTCTGTCAGTTCACTTGATAGTTTTGAGAGTCGTTCGATTGCCAGCTCCGTTCAGAGT[G>T]AACCATGCAGTGGAATGGTAAGTGGCATTATAAGCCCCAGTGATCTTCCAGATAGCCCTG-3'